The following is an entry in ClinVar:

NM_001844.5(COL2A1):c.4031A>G (p.Lys1344Arg)

Gene: COL2A1 (collagen type II alpha 1 chain; minus strand). Cytogenetic location: 12q13.11.
Variant type: single nucleotide variant.
Coding change: c.4031A>G on transcript NM_001844.5 (MANE Select); coding-DNA position 4031, A replaced by G.
Protein change: p.Lys1344Arg; replaces lysine 1344 with arginine.
Molecular consequence: missense variant.
Genome position (GRCh38, 1-based): chr12:47,974,718, T>C on the plus strand (A>G on the coding strand, the complement: COL2A1 is on the minus strand). VCF-style: chr12-47974718-T-C. GRCh37 (hg19) VCF-style: chr12-48368501-T-C.
Other names: c.3824A>G, p.Lys1275Arg (NM_033150.3); short protein forms K1275R, K1344R.
Identifiers: ClinVar variation 4882736 (VCV004882736.2).

ClinVar aggregate classification (germline): Uncertain significance (1 of 4 stars; one submission).

Submission:

Dasa
Classification: Uncertain significance. Last evaluated: 2025-11-24. Review status: criteria provided, single submitter. Criteria: DASA Assertion Criteria. Collection method: clinical testing. Allele origin: germline.
Comment: NM_001844.5(COL2A1):c.4031A>G (p.Lys1344Arg) is a missense variant that results in the substitution of lysine with arginine. This variant is absent from population databases. The currently available literature and clinical evidence are not sufficient to establish a definitive association between this variant and the reported condition. Therefore, this variant is classified as a variant of uncertain significance.